The following is an entry in ClinVar:

NM_000051.4(ATM):c.544G>C (p.Val182Leu)

Gene: ATM (ATM serine/threonine kinase; plus strand). Cytogenetic location: 11q22.3.
Variant type: single nucleotide variant.
Coding change: c.544G>C on transcript NM_000051.4 (MANE Select); coding-DNA position 544, G replaced by C.
Protein change: p.Val182Leu; replaces valine 182 with leucine.
Molecular consequence: missense variant.
Genome position (GRCh38, 1-based): chr11:108,244,000, G>C. VCF-style: chr11-108244000-G-C. GRCh37 (hg19) VCF-style: chr11-108114727-G-C.
Other names: p.V182L:GTT>CTT; NP_000042.3:p.Val182Leu; c.544G>C, p.Val182Leu (NM_001351834.2); short protein forms V182L.
Identifiers: ClinVar variation 132685 (VCV000132685.92), dbSNP rs3218707, ClinGen allele CA157195.

ClinVar aggregate classification (germline): Benign/Likely benign. Review status: criteria provided, multiple submitters, no conflicts (2 of 4 stars). 32 submissions from 32 submitters: Benign (19); Likely benign (4). 9 of the submissions do not count toward it. Last evaluated 2026-09-01.

Conditions:
Hereditary cancer-predisposing syndrome. Also called: Neoplastic Syndromes, Hereditary; Tumor predisposition; Hereditary neoplastic syndrome; Hereditary Cancer Syndrome. Identifiers: Orphanet 140162, MedGen C0027672, MeSH D009386, MONDO:0015356.
Hereditary breast ovarian cancer syndrome. Also called: Breast and ovarian cancer; BRCA1- and BRCA2-Associated Hereditary Breast and Ovarian Cancer; Hereditary breast and/or ovarian cancer syndrome; Hereditary breast and ovarian cancer syndrome; Hereditary breast and ovarian cancer; Hereditary breast and ovarian cancer syndrome (HBOC). Identifiers: Orphanet 145, MedGen C0677776, MeSH D061325, MONDO:0003582. Disease mechanism: loss of function.
Ataxia-telangiectasia syndrome (AT). Also called: Ataxia-telangiectasia, complementation group D; AT, COMPLEMENTATION GROUP C; Ataxia telangiectasia (A-T); LOUIS-BAR SYNDROME; Cerebello-oculocutaneous telangiectasia; Immunodeficiency with ataxia telangiectasia. Identifiers: Orphanet 100, MedGen C0004135, MONDO:0008840, OMIM 208900.
Familial cancer of breast. Also called: Hereditary breast cancer; hereditary breast carcinoma; BREAST CANCER, FAMILIAL. Identifiers: Orphanet 227535, MedGen C0346153, MONDO:0016419, OMIM 114480. Disease mechanism: loss of function.
Malignant tumor of breast. Also called: Malignant breast neoplasm; Cancer breast. Identifiers: MedGen C0006142, MONDO:0007254. Disease mechanism: loss of function.

Allele frequency attached by ClinVar (database versions not stated): ExAC 0.00381; gnomAD 0.00711 and 0.00757; TOPMed 0.00830; 1000 Genomes Project 30x 0.01109; 1000 Genomes Project 0.01138; ESP Exome Variant Server 0.00800; gnomAD exomes 0.00134 and 0.00252.
gnomAD v4.1: 3,125 of 1,610,832 alleles (0.19%); highest among the groups gnomAD compares: African/African-American, 2.4%; 31 homozygotes.

Submissions 1 to 27 of 32:

CeGaT Center for Human Genetics Tuebingen
Classification: Benign. Last evaluated: 2026-09-01. Review status: criteria provided, single submitter. Criteria: CeGaT Center For Human Genetics Tuebingen Variant Classification Criteria Version 2. Collection method: clinical testing. Allele origin: germline. Affected: yes. Observed: 20 variant alleles.
Comment: ATM: BP4, BS1, BS2

Labcorp Genetics (formerly Invitae), Labcorp
Classification: Benign for Ataxia-telangiectasia syndrome. Last evaluated: 2026-02-04. Review status: criteria provided, single submitter. Criteria: Invitae Variant Classification Sherloc (09022015). Collection method: clinical testing. Allele origin: germline.

Athena Diagnostics
Classification: Benign. Last evaluated: 2025-07-17. Review status: criteria provided, single submitter. Criteria: Athena Diagnostics Criteria. Collection method: clinical testing. Allele origin: unknown.
Comment: The frequency of this variant in the general population is higher than would generally be expected for pathogenic variants in this gene. Computational tools predict this amino acid change may be benign.

ARUP Laboratories, Molecular Genetics and Genomics, ARUP Laboratories
Classification: Benign. Last evaluated: 2025-06-27. Review status: criteria provided, single submitter. Criteria: ARUP Molecular Germline Variant Investigation Process 2024. Collection method: clinical testing. Allele origin: germline.

Center for Genomic Medicine, Rigshospitalet, Copenhagen University Hospital
Classification: Benign. Last evaluated: 2025-03-04. Review status: criteria provided, single submitter. Criteria: ACMG Guidelines, 2015. Collection method: clinical testing. Allele origin: germline.

Blueprint Genetics
Classification: Likely benign. Last evaluated: 2024-11-26. Review status: criteria provided, single submitter. Criteria: ACMG Guidelines, 2015. Collection method: clinical testing. Allele origin: germline.

Myriad Genetics, Inc.
Classification: Benign for Familial cancer of breast. Last evaluated: 2024-04-19. Review status: criteria provided, single submitter. Criteria: Myriad Autosomal Dominant, Autosomal Recessive and X-Linked Classification Criteria (2023). Collection method: clinical testing. Allele origin: unknown.
Comment: This variant is considered benign. This variant has been observed at a population frequency that is significantly greater than expected given the associated disease prevalence and penetrance.

Mayo Clinic Laboratories, Mayo Clinic
Classification: Benign. Last evaluated: 2024-01-31. Review status: criteria provided, single submitter. Criteria: ACMG Guidelines, 2015. Collection method: clinical testing. Allele origin: germline. Observed: 18 variant alleles.
Comment: BA1, BS2, BP4

KCCC/NGS Laboratory, Kuwait Cancer Control Center
Classification: Benign for Familial cancer of breast. Last evaluated: 2023-07-07. Review status: criteria provided, single submitter. Criteria: ACMG Guidelines, 2015. Collection method: clinical testing. Allele origin: germline. Affected: yes.

Mendelics
Classification: Benign. Last evaluated: 2022-05-04. Review status: criteria provided, single submitter. Criteria: Mendelics Assertion Criteria 2019. Collection method: clinical testing. Allele origin: germline.

National Health Laboratory Service, Universitas Academic Hospital and University of the Free State
Classification: Benign for Hereditary breast ovarian cancer syndrome. Last evaluated: 2022-04-19. Review status: criteria provided, single submitter. Criteria: ACMG Guidelines, 2015. Collection method: clinical testing. Allele origin: germline. Affected: yes. Observed: 6 variant alleles.

Quest Diagnostics Nichols Institute San Juan Capistrano
Classification: Benign. Last evaluated: 2021-03-30. Review status: criteria provided, single submitter. Criteria: Quest Diagnostics criteria. Collection method: clinical testing. Allele origin: unknown.

Sema4
Classification: Benign for Hereditary cancer-predisposing syndrome. Last evaluated: 2020-09-15. Review status: criteria provided, single submitter. Criteria: Sema4 Curation Guidelines. Collection method: curation. Allele origin: germline.

Dubai Health Genomic Medicine Center, Dubai Health
Classification: Benign for Ataxia-telangiectasia syndrome. Last evaluated: 2020-03-23. Review status: criteria provided, single submitter. Criteria: ACMG Guidelines, 2015. Collection method: clinical testing. Allele origin: germline. Affected: yes.

Illumina Laboratory Services, Illumina
Classification: Likely benign for Ataxia-telangiectasia syndrome. Last evaluated: 2017-04-27. Review status: criteria provided, single submitter. Criteria: ICSL Variant Classification Criteria 13 December 2019. Collection method: clinical testing. Allele origin: germline.
Comment: This variant was observed as part of a predisposition screen in an ostensibly healthy population. A literature search was performed for the gene, cDNA change, and amino acid change (where applicable). Publications were found based on this search. The evidence from the literature, in combination with allele frequency data from public databases where available, was sufficient to determine this variant is unlikely to cause disease. Therefore, this variant is classified as likely benign.

PreventionGenetics, part of Exact Sciences
Classification: Benign. Last evaluated: 2017-02-17. Review status: criteria provided, single submitter. Criteria: ACMG Guidelines, 2015. Collection method: clinical testing. Allele origin: germline.

Vantari Genetics
Classification: Likely benign for Hereditary cancer-predisposing syndrome. Last evaluated: 2016-02-04. Review status: criteria provided, single submitter. Criteria: ACMG Guidelines, 2015. Collection method: clinical testing. Allele origin: germline.

Eurofins Ntd Llc (ga)
Classification: Benign. Last evaluated: 2015-03-30. Review status: criteria provided, single submitter. Criteria: EGL Classification Definitions 2015. Collection method: clinical testing. Allele origin: germline. Observed: 1 variant allele, 1 heterozygote.

Ambry Genetics
Classification: Benign for Hereditary cancer-predisposing syndrome. Last evaluated: 2014-11-24. Review status: criteria provided, single submitter. Criteria: Ambry Variant Classification Scheme 2023. Collection method: clinical testing. Allele origin: germline.

Color Diagnostics, LLC DBA Color Health
Classification: Benign for Hereditary cancer-predisposing syndrome. Last evaluated: 2014-11-18. Review status: criteria provided, single submitter. Criteria: ACMG Guidelines, 2015. Collection method: clinical testing. Allele origin: germline.

Center for Pediatric Genomic Medicine, Children's Mercy Hospital and Clinics
Classification: Benign. Last evaluated: 2014-09-15. Review status: criteria provided, single submitter. Criteria: ACMG Guidelines, 2015. Collection method: clinical testing. Allele origin: germline.

GeneDx
Classification: Benign. Last evaluated: 2013-10-25. Review status: criteria provided, single submitter. Criteria: GeneDx Variant Classification (06012015). Collection method: clinical testing. Allele origin: germline. Affected: yes.
Comment: This variant is considered likely benign or benign based on one or more of the following criteria: it is a conservative change, it occurs at a poorly conserved position in the protein, it is predicted to be benign by multiple in silico algorithms, and/or has population frequency not consistent with disease.

Breakthrough Genomics
Classification: Likely benign. Review status: criteria provided, single submitter. Criteria: ACMG Guidelines, 2015. Collection method: not provided. Allele origin: germline. Inheritance: Autosomal recessive inheritance. Affected: yes.

Natera, Inc.
Classification: Likely benign for Ataxia-telangiectasia. Last evaluated: 2019-10-22. Review status: no assertion criteria provided. Collection method: clinical testing. Allele origin: germline. Not counted in ClinVar's aggregate classification.

True Health Diagnostics
Classification: Likely benign for Hereditary cancer-predisposing syndrome. Last evaluated: 2018-11-16. Review status: no assertion criteria provided. Collection method: clinical testing. Allele origin: germline. Not counted in ClinVar's aggregate classification.

Genome Diagnostics Laboratory, Amsterdam University Medical Center
Classification: Benign for Ataxia-telangiectasia syndrome. Last evaluated: 2017-09-27. Review status: no assertion criteria provided. Criteria: ACGS Guidelines, 2013. Collection method: clinical testing. Allele origin: germline. Affected: yes. Study: VKGL Data-share Consensus. Not counted in ClinVar's aggregate classification.

ITMI
No classification provided. Condition: AllHighlyPenetrant. Last evaluated: 2013-09-19. Review status: no classification provided. Collection method: reference population. Allele origin: germline. Not counted in ClinVar's aggregate classification.
Comment: Please see associated publication for description of ethnicities